The following is an entry in ClinVar:

NM_001368397.1(FRMPD4):c.2183C>T (p.Ala728Val)

Gene: FRMPD4 (FERM and PDZ domain containing 4; plus strand). Cytogenetic location: Xp22.2.
Variant type: single nucleotide variant.
Coding change: c.2183C>T on transcript NM_001368397.1 (MANE Select); coding-DNA position 2183, C replaced by T.
Protein change: p.Ala728Val; replaces alanine 728 with valine.
Molecular consequence: missense variant.
Genome position (GRCh38, 1-based): chrX:12,716,642, C>T. VCF-style: chrX-12716642-C-T. GRCh37 (hg19) VCF-style: chrX-12734761-C-T.
Other names: c.2294C>T, p.Ala765Val (NM_001368395.3, NM_001368398.3); c.2189C>T, p.Ala730Val (NM_001368396.3); c.2174C>T, p.Ala725Val (NM_001368399.3); c.2063C>T, p.Ala688Val (NM_001368400.3); c.2159C>T, p.Ala720Val (NM_001368401.1, NM_001368402.3); c.2183C>T, p.Ala728Val (NM_014728.3); short protein forms A720V, A688V, A730V, A725V, A728V, A765V.
Identifiers: ClinVar variation 1032633 (VCV001032633.2), dbSNP rs1294169574, ClinGen allele CA412311110.

ClinVar aggregate classification (germline): Uncertain significance. Review status: criteria provided, multiple submitters, no conflicts (2 of 4 stars). 2 submissions from 2 submitters: Uncertain significance (2). Last evaluated 2022-10-24.

Conditions:
Intellectual developmental disorder, X-linked 104. Also called: Intellectual disability, X-linked 104. Identifiers: MedGen C4310817, MONDO:0010509, OMIM 300983.
FRMPD4-related disorder. Also called: FRMPD4-related condition.

Allele frequency attached by ClinVar (database versions not stated): gnomAD exomes below 0.00001 and 0.00001; TOPMed below 0.00001; gnomAD 0.00001.
gnomAD v4.1: 5 of 1,207,713 alleles (0.00041%); highest among the groups gnomAD compares: South Asian, 0.0053%; no homozygotes.

Submissions (2):

PreventionGenetics, part of Exact Sciences
Classification: Uncertain significance for FRMPD4-related condition. Last evaluated: 2022-10-24. Review status: criteria provided, single submitter. Criteria: ACMG Guidelines, 2015. Collection method: clinical testing. Allele origin: germline.
Comment: The FRMPD4 c.2183C>T variant is predicted to result in the amino acid substitution p.Ala728Val. To our knowledge, this variant has not been reported in the literature. This variant is reported in 0.0052% of alleles in individuals of South Asian descent in gnomAD, including on hemizygous individual. At this time, the clinical significance of this variant is uncertain due to the absence of conclusive functional and genetic evidence.

Baylor Genetics
Classification: Uncertain significance for Intellectual developmental disorder, X-linked 104. Last evaluated: 2018-05-08. Review status: criteria provided, single submitter. Criteria: ACMG Guidelines, 2015. Collection method: clinical testing. Allele origin: maternal. Affected: yes.
Comment: This variant was determined to be of uncertain significance according to ACMG Guidelines, 2015 [PMID:25741868].